The following is an entry in ClinVar:

NM_001042492.3(NF1):c.4466G>C (p.Ser1489Thr)

Gene: NF1 (neurofibromin 1; plus strand). Cytogenetic location: 17q11.2.
Variant type: single nucleotide variant.
Coding change: c.4466G>C on transcript NM_001042492.3 (MANE Select); coding-DNA position 4466, G replaced by C.
Protein change: p.Ser1489Thr; replaces serine 1489 with threonine.
Molecular consequence: missense variant.
Genome position (GRCh38, 1-based): chr17:31,260,404, G>C. VCF-style: chr17-31260404-G-C. GRCh37 (hg19) VCF-style: chr17-29587422-G-C.
Other names: c.4403G>C, p.Ser1468Thr (NM_000267.4); short protein forms S1468T, S1489T.
Identifiers: ClinVar variation 4119117 (VCV004119117.1).

ClinVar aggregate classification (germline): Uncertain significance (1 of 4 stars; one submission).

Conditions:
Cardiovascular phenotype. Identifiers: MedGen CN230736.
Hereditary cancer-predisposing syndrome. Also called: Hereditary neoplastic syndrome; Neoplastic Syndromes, Hereditary; Tumor predisposition; Hereditary Cancer Syndrome. Identifiers: Orphanet 140162, MedGen C0027672, MeSH D009386, MONDO:0015356.

Submission:

Ambry Genetics
Classification: Uncertain significance for Cardiovascular phenotype; Hereditary cancer-predisposing syndrome. Last evaluated: 2025-08-05. Review status: criteria provided, single submitter. Criteria: Ambry Variant Classification Scheme 2023. Collection method: clinical testing. Allele origin: germline.
Comment: The p.S1468T variant (also known as c.4403G>C), located in coding exon 33 of the NF1 gene, results from a G to C substitution at nucleotide position 4403. The serine at codon 1468 is replaced by threonine, an amino acid with similar properties. This amino acid position is highly conserved in available vertebrate species. In addition, the in silico prediction for this alteration is inconclusive. Based on the available evidence, the clinical significance of this variant remains unclear.